The following is an entry in ClinVar:

ClinVar aggregate classification (germline): Uncertain significance (1 of 4 stars; one submission).

Conditions:
Aicardi-Goutieres syndrome 7 (AGS7). Identifiers: Orphanet 51, MedGen C3888244, MONDO:0014367, OMIM 615846.
Singleton-Merten syndrome 1 (SGMRT1). Also called: Widened medullary cavities of bone, aortic calcification, abnormal dentition, and muscular weakness; Syndrome of widened medullary cavities of the metacarpals and phalanges, aortic calcification and abnormal dentition. Identifiers: Orphanet 85191, MedGen C4225427, MONDO:0024535, OMIM 182250.

Allele frequency attached by ClinVar (database versions not stated): gnomAD exomes below 0.00001.
gnomAD v4.1: 1 of 1,324,872 alleles (0.000075%); highest among the groups gnomAD compares: Non-Finnish European, 0.00011%; no homozygotes.

Submission:

Labcorp Genetics (formerly Invitae), Labcorp
Classification: Uncertain significance for Aicardi-Goutieres syndrome 7; Singleton-Merten syndrome 1. Last evaluated: 2022-07-26. Review status: criteria provided, single submitter. Criteria: Invitae Variant Classification Sherloc (09022015). Collection method: clinical testing. Allele origin: germline.
Comment: In summary, the available evidence is currently insufficient to determine the role of this variant in disease. Therefore, it has been classified as a Variant of Uncertain Significance. Algorithms developed to predict the effect of sequence changes on RNA splicing suggest that this variant may create or strengthen a splice site. This variant has not been reported in the literature in individuals affected with IFIH1-related conditions. This variant is not present in population databases (gnomAD no frequency). This sequence change falls in intron 8 of the IFIH1 gene. It does not directly change the encoded amino acid sequence of the IFIH1 protein.

NM_022168.4(IFIH1):c.1641+16T>A

Gene: IFIH1 (interferon induced with helicase C domain 1; minus strand). Cytogenetic location: 2q24.2.
Variant type: single nucleotide variant.
Coding change: c.1641+16T>A on transcript NM_022168.4 (MANE Select); 16 bases into the intron after coding-DNA position 1641, T replaced by A.
Molecular consequence: intron variant.
Genome position (GRCh38, 1-based): chr2:162,279,980, A>T on the plus strand (T>A on the coding strand, the complement: IFIH1 is on the minus strand). VCF-style: chr2-162279980-A-T. GRCh37 (hg19) VCF-style: chr2-163136490-A-T.
Identifiers: ClinVar variation 2016500 (VCV002016500.4), dbSNP rs2468962457, ClinGen allele CA2580064154.